The following is an entry in ClinVar:

NM_015693.4(INTU):c.175G>A (p.Val59Met)

Gene: INTU (inturned planar cell polarity protein; plus strand). Cytogenetic location: 4q28.1.
Variant type: single nucleotide variant.
Coding change: c.175G>A on transcript NM_015693.4 (MANE Select); coding-DNA position 175, G replaced by A.
Protein change: p.Val59Met; replaces valine 59 with methionine.
Molecular consequence: missense variant.
Genome position (GRCh38, 1-based): chr4:127,643,549, G>A. VCF-style: chr4-127643549-G-A. GRCh37 (hg19) VCF-style: chr4-128564704-G-A.
Other names: short protein forms V59M.
Identifiers: ClinVar variation 4762965 (VCV004762965.1).

ClinVar aggregate classification (germline): Uncertain significance (1 of 4 stars; one submission).

gnomAD v4.1: 4 of 1,605,732 alleles (0.00025%); highest among the groups gnomAD compares: Admixed American, 0.0052%; no homozygotes.

Submission:

Labcorp Genetics (formerly Invitae), Labcorp
Classification: Uncertain significance. Last evaluated: 2025-03-31. Review status: criteria provided, single submitter. Criteria: Invitae Variant Classification Sherloc (09022015). Collection method: clinical testing. Allele origin: germline.
Comment: This sequence change replaces valine, which is neutral and non-polar, with methionine, which is neutral and non-polar, at codon 59 of the INTU protein (p.Val59Met). This variant is present in population databases (rs745374470, gnomAD 0.006%). This variant has not been reported in the literature in individuals affected with INTU-related conditions. Invitae Evidence Modeling of protein sequence and biophysical properties (such as structural, functional, and spatial information, amino acid conservation, physicochemical variation, residue mobility, and thermodynamic stability) indicates that this missense variant is expected to disrupt INTU protein function with a positive predictive value of 80%. In summary, the available evidence is currently insufficient to determine the role of this variant in disease. Therefore, it has been classified as a Variant of Uncertain Significance.